The following is an entry in ClinVar:

NM_000169.3(GLA):c.1172A>C (p.Lys391Thr)

Genes: GLA (galactosidase alpha; minus strand), RPL36A-HNRNPH2 (RPL36A-HNRNPH2 readthrough; plus strand). Cytogenetic location: Xq22.1.
Variant type: single nucleotide variant.
Coding change: c.1172A>C on transcript NM_000169.3 (MANE Select); coding-DNA position 1172, A replaced by C.
Protein change: p.Lys391Thr; replaces lysine 391 with threonine.
Molecular consequence: missense variant. On other transcripts: non-coding transcript variant (3), intron variant (2).
Genome position (GRCh38, 1-based): chrX:101,397,927, T>G on the plus strand (A>C on the coding strand, the complement: GLA is on the minus strand). VCF-style: chrX-101397927-T-G. GRCh37 (hg19) VCF-style: chrX-100652915-T-G.
Other names: c.1295A>C, p.Lys432Thr (NM_001406747.1); c.300+2470T>G (NM_001199973.2); c.177+6105T>G (NM_001199974.2); short protein forms K391T, K432T.
Identifiers: ClinVar variation 4087654 (VCV004087654.2).

ClinVar aggregate classification (germline): Uncertain significance (1 of 4 stars; one submission).

Conditions:
Fabry disease. Also called: ALPHA-GALACTOSIDASE A DEFICIENCY; ANDERSON-FABRY DISEASE; CERAMIDE TRIHEXOSIDASE DEFICIENCY; GLA DEFICIENCY; HEREDITARY DYSTOPIC LIPIDOSIS; Angiokeratoma corporis diffusum. Identifiers: Orphanet 324, MedGen C0002986, MONDO:0010526, OMIM 301500, HP:0001071. Disease mechanism: Fabry disease is due to inactivating mutations in the X-linked GLA gene resulting in deficiency of the enzyme Alpha Galactosidase-A., loss of function.

Submission:

Genomenon, Inc
Classification: Uncertain significance for Fabry disease. Last evaluated: 2026-09-08. Review status: criteria provided, single submitter. Criteria: Genomenon Sequence Variant Interpretation Standards - Updated. Collection method: curation. Allele origin: germline. Affected: no.
Comment: GLA p.Lys391Thr (c.1172A>C) is a missense variant that changes the amino acid at codon 391 from Lysine to Threonine. This variant has been reported in the published literature (PMID:20031620;28615118;23826564;24613481;24513544;22063097;27657681). The presence of pathogenic/likely pathogenic missense variant(s) at the same amino acid position indicates that this residue is likely important for protein function. It is absent or not present at a significant frequency in gnomAD. In conclusion, we classify GLA p.Lys391Thr (c.1172A>C) as a variant of uncertain significance.

Literature cited by the submitters: PubMed 20031620; PubMed 28615118; PubMed 23826564; PubMed 24613481; PubMed 24513544; PubMed 22063097; PubMed 27657681.